The following is an entry in ClinVar:

ClinVar aggregate classification (germline): Pathogenic (1 of 4 stars; one submission).

Conditions:
Gorlin syndrome. Also called: Basal cell nevus syndrome; Nevoid Basal Cell Carcinoma Syndrome. Identifiers: Orphanet 377, MedGen C0004779, MONDO:0007187.

Submission:

Labcorp Genetics (formerly Invitae), Labcorp
Classification: Pathogenic for Gorlin syndrome. Last evaluated: 2024-02-20. Review status: criteria provided, single submitter. Criteria: Invitae Variant Classification Sherloc (09022015). Collection method: clinical testing. Allele origin: germline.
Comment: This sequence change affects an acceptor splice site in intron 5 of the PTCH1 gene. It is expected to disrupt RNA splicing. Variants that disrupt the donor or acceptor splice site typically lead to a loss of protein function (PMID: 16199547), and loss-of-function variants in PTCH1 are known to be pathogenic (PMID: 16301862, 16419085). This variant is not present in population databases (gnomAD no frequency). Disruption of this splice site has been observed in individuals with clinical features of basal cell nevus syndrome (PMID: 29575684; Invitae). Algorithms developed to predict the effect of sequence changes on RNA splicing suggest that this variant may disrupt the consensus splice site. For these reasons, this variant has been classified as Pathogenic.

Literature cited by the submitters: PubMed 16199547; PubMed 16301862; PubMed 16419085; PubMed 29575684.

NM_000264.5(PTCH1):c.747-2A>G

Gene: PTCH1 (patched 1; minus strand). Cytogenetic location: 9q22.32.
Variant type: single nucleotide variant.
Coding change: c.747-2A>G on transcript NM_000264.5 (MANE Select); the canonical splice acceptor site of the intron before coding-DNA position 747, A replaced by G.
Molecular consequence: splice acceptor variant.
Genome position (GRCh38, 1-based): chr9:95,480,590, T>C on the plus strand (A>G on the coding strand, the complement: PTCH1 is on the minus strand). VCF-style: chr9-95480590-T-C. GRCh37 (hg19) VCF-style: chr9-98242872-T-C.
Other names: c.744-2A>G (NM_001083603.3); c.549-2A>G (NM_001083602.3); c.747-2A>G (NM_001354918.2); c.294-2A>G (NM_001083605.3, NM_001083604.3, NM_001083606.3 and 1 more transcripts).
Identifiers: ClinVar variation 3712243 (VCV003712243.2).